The following is an entry in ClinVar:

NM_006393.3(NEBL):c.1365_1366del (p.Ile456fs)

Gene: NEBL (nebulette; minus strand). Cytogenetic location: 10p12.31.
Variant type: Deletion.
Coding change: c.1365_1366del on transcript NM_006393.3 (MANE Select); coding-DNA positions 1365 to 1366, 2 bases deleted (AA; older notation c.1365_1366delAA).
Protein change: p.Ile456fs; shifts the reading frame from isoleucine 456.
Molecular consequence: frameshift variant. On other transcripts: intron variant (9).
Genome position (GRCh38, 1-based): chr10:20,835,596-20,835,597, TT deleted on the plus strand (AA on the coding strand, the reverse complement: NEBL is on the minus strand). VCF-style (leftmost placement, unchanged base first): chr10-20835595-ATT-A. GRCh37 (hg19) VCF-style: chr10-21124524-ATT-A.
Other names: c.250-22657_250-22656del (NM_001377326.1, NM_001377327.1, NM_001377328.1); c.358-22657_358-22656del (NM_213569.2, NM_001173484.2, NM_001377322.1); c.301-22657_301-22656del (NM_001377324.1); c.292-22657_292-22656del (NM_001377325.1); c.310-22657_310-22656del (NM_001377323.1); c.1365_1366delAA (NM_006393.2); short protein forms I456fs.
Identifiers: ClinVar variation 503876 (VCV000503876.4), dbSNP rs1554781158, ClinGen allele CA591873305.

ClinVar aggregate classification (germline): Uncertain significance. Review status: criteria provided, multiple submitters, no conflicts (2 of 4 stars). 2 submissions from 2 submitters: Uncertain significance (2). Last evaluated 2024-02-08.

Conditions:
Primary dilated cardiomyopathy (DCM). Also called: Dilated Cardiomyopathy. Identifiers: Orphanet 217604, MedGen C0007193, MeSH D002311, MONDO:0005021, HP:0001644. Inheritance: Various modes of inheritance.

Allele frequency attached by ClinVar (database versions not stated): gnomAD exomes below 0.00001 and 0.00001.

Submissions (2):

Labcorp Genetics (formerly Invitae), Labcorp
Classification: Uncertain significance for Primary dilated cardiomyopathy. Last evaluated: 2024-02-08. Review status: criteria provided, single submitter. Criteria: Invitae Variant Classification Sherloc (09022015). Collection method: clinical testing. Allele origin: germline.
Comment: This sequence change creates a premature translational stop signal (p.Ile456Asnfs*2) in the NEBL gene. It is expected to result in an absent or disrupted protein product. However, the current clinical and genetic evidence is not sufficient to establish whether loss-of-function variants in NEBL cause disease. This variant is present in population databases (no rsID available, gnomAD 0.0009%). This variant has not been reported in the literature in individuals affected with NEBL-related conditions. ClinVar contains an entry for this variant (Variation ID: 503876). In summary, the available evidence is currently insufficient to determine the role of this variant in disease. Therefore, it has been classified as a Variant of Uncertain Significance.

GeneDx
Classification: Uncertain significance. Last evaluated: 2017-12-01. Review status: criteria provided, single submitter. Criteria: GeneDx Variant Classification (06012015). Collection method: clinical testing. Allele origin: germline. Affected: yes.
Comment: Although the c.1365_1366delAA variant in the NEBL gene has not been reported to our knowledge, this variant causes a shift in reading frame starting at codon isoleucine 456, changing it to a asparagine, and creating a premature stop codon at position 2 of the new reading frame, denoted p.Ile456AsnfsX2. This variant is expected to result in either an abnormal, truncated protein product or loss of protein from this allele through nonsense-mediated mRNA decay. The c.1365_1366delAA variant has not been observed at a significant frequency in large population cohorts (Lek et al., 2016). Nevertheless, no truncating variants in the NEBL gene have been reported in Human Gene Mutation Database in association with cardiomyopathy (Stenson et al., 2014), and haploinsufficiency is not an established disease mechanism for the NEBL gene.